The following is an entry in ClinVar:

NM_001165963.4(SCN1A):c.1118del (p.Leu373fs)

Gene: SCN1A (sodium voltage-gated channel alpha subunit 1; minus strand). Cytogenetic location: 2q24.3.
Variant type: Deletion.
Coding change: c.1118del on transcript NM_001165963.4 (MANE Select); coding-DNA position 1118, one base deleted (T; older notation c.1118delT).
Protein change: p.Leu373fs; shifts the reading frame from leucine 373.
Molecular consequence: frameshift variant. On other transcripts: 5 prime UTR variant (1), non-coding transcript variant (1).
Genome position (GRCh38, 1-based): chr2:166,047,679, A deleted on the plus strand (T on the coding strand, the reverse complement: SCN1A is on the minus strand); the first of 6 consecutive A bases (chr2:166,047,679-166,047,684); deleting any one gives the same sequence. VCF-style (leftmost placement, unchanged base first): chr2-166047678-CA-C. GRCh37 (hg19) VCF-style: chr2-166904188-CA-C.
Other names: c.1118del, p.Leu373fs (NM_001165964.3, NM_001202435.3, NM_001353948.2 and 10 more transcripts); c.-1308del (NM_001353961.2); short protein forms L373fs.
Identifiers: ClinVar variation 189842 (VCV000189842.2), dbSNP rs794726695, ClinGen allele CA303086.

ClinVar aggregate classification (germline): Pathogenic. Review status: criteria provided, multiple submitters, no conflicts (2 of 4 stars). 2 submissions from 2 submitters: Pathogenic (2). Last evaluated 2025-06-04.

Conditions:
Early-infantile DEE. Also called: Early infantile epileptic encephalopathy; Ohtahara syndrome; Early infantile epileptic encephalopathy with suppression bursts. Identifiers: Orphanet 1934, MedGen C0393706, MONDO:0800491.
Severe myoclonic epilepsy in infancy (DRVT). Also called: Epileptic encephalopathy, early infantile, 6 (Dravet syndrome); SEVERE MYOCLONIC EPILEPSY OF INFANCY; DEVELOPMENTAL AND EPILEPTIC ENCEPHALOPATHY 6A; Severe Myoclonic Epilepsy in Infancy (SMEI); Dravet syndrome. Identifiers: Orphanet 33069, MedGen C0751122, MONDO:0100135, OMIM 607208.

Submissions (2):

Labcorp Genetics (formerly Invitae), Labcorp
Classification: Pathogenic for Early-infantile DEE. Last evaluated: 2025-06-04. Review status: criteria provided, single submitter. Criteria: Invitae Variant Classification Sherloc (09022015). Collection method: clinical testing. Allele origin: germline.
Comment: This sequence change creates a premature translational stop signal (p.Leu373Cysfs*6) in the SCN1A gene. It is expected to result in an absent or disrupted protein product. Loss-of-function variants in SCN1A are known to be pathogenic (PMID: 17347258, 18930999). This variant is not present in population databases (gnomAD no frequency). This premature translational stop signal has been observed in individual(s) with SCN1A-related conditions (PMID: 26096185). ClinVar contains an entry for this variant (Variation ID: 189842). Algorithms developed to predict the effect of sequence changes on RNA splicing suggest that this variant may disrupt the consensus splice site. For these reasons, this variant has been classified as Pathogenic.

Center for Bioinformatics, Peking University
Classification: Pathogenic for Dravet syndrome. Last evaluated: 2014-12-20. Review status: criteria provided, single submitter. Criteria: Xu et al. (Hum Mutat. 2015). Collection method: research. Allele origin: paternal. Affected: yes. Observed: 3 variant alleles. Study: University Clinical Cooperation “985 Project” PKU-2014-1-1.
Comment: Dravet syndrome (DS) probands were recruited from the outpatient and inpatient child neurology units of Peking University First Hospital from 2005 till present. The study was approved by the Ethics Committee of Peking University First Hospital and the Institutional Review Board at Peking University. Participants or their parents provided written informed consent before enrollment. We collected a total of 267 mutations from 255 families with probands diagnosed with DS in China. All probands fulfilled the clinical diagnostic criteria.

Literature cited by the submitters: PubMed 17347258 (cited by Labcorp Genetics (formerly Invitae), Labcorp); PubMed 18930999 (cited by Labcorp Genetics (formerly Invitae), Labcorp); PubMed 26096185 (cited by Labcorp Genetics (formerly Invitae), Labcorp).